The following is an entry in ClinVar:

NM_025137.4(SPG11):c.3691C>T (p.Gln1231Ter)

Gene: SPG11 (SPG11 vesicle trafficking associated, spatacsin; minus strand). Cytogenetic location: 15q21.1.
Variant type: single nucleotide variant.
Coding change: c.3691C>T on transcript NM_025137.4 (MANE Select); coding-DNA position 3691, C replaced by T.
Protein change: p.Gln1231Ter; replaces glutamine 1231 with a stop codon.
Molecular consequence: nonsense.
Genome position (GRCh38, 1-based): chr15:44,598,832, G>A on the plus strand (C>T on the coding strand, the complement: SPG11 is on the minus strand). VCF-style: chr15-44598832-G-A. GRCh37 (hg19) VCF-style: chr15-44891030-G-A.
Other names: c.3691C>T, p.Gln1231Ter (NM_001160227.2, NM_001411132.1); short protein forms Q1231*.
Identifiers: ClinVar variation 2891317 (VCV002891317.3), dbSNP rs2505396686, ClinGen allele CA392230494.
Genomic context (GRCh38, chr15:44,598,832, plus strand): 5'-CTATTGAAGGTATGTGGAAGGAGGAGAGCCCTATAACATAGGCTTCATTGCCTACTTGCT[G>A]GATCCTGAAAAAGAAAGGAATCAAAATCACATCAGCACATGAAAATTATGTCTCACCAGG-3'

ClinVar aggregate classification (germline): Pathogenic (1 of 4 stars; one submission).

Conditions:
Hereditary spastic paraplegia 11. Also called: SPASTIC PARAPLEGIA, AUTOSOMAL RECESSIVE, COMPLICATED, WITH THIN CORPUS CALLOSUM; SPASTIC PARAPLEGIA, AUTOSOMAL RECESSIVE, WITH MENTAL IMPAIRMENT AND THIN CORPUS CALLOSUM; Nakamura Osame syndrome; Autosomal recessive hereditary spastic paraplegia, mental impairment, and thin corpus callosum; Spastic paraplegia, mental retardation and thin corpus callosum; Spastic Paraplegia 11. Identifiers: Orphanet 2822, MedGen C1858479, MONDO:0011445, OMIM 604360.

Allele frequency attached by ClinVar (database versions not stated): gnomAD exomes below 0.00001.

Submission:

Labcorp Genetics (formerly Invitae), Labcorp
Classification: Pathogenic for Hereditary spastic paraplegia 11. Last evaluated: 2023-11-05. Review status: criteria provided, single submitter. Criteria: Invitae Variant Classification Sherloc (09022015). Collection method: clinical testing. Allele origin: germline.
Comment: This sequence change creates a premature translational stop signal (p.Gln1231*) in the SPG11 gene. It is expected to result in an absent or disrupted protein product. Loss-of-function variants in SPG11 are known to be pathogenic (PMID: 19105190, 20110243, 22154821, 26556829). This variant is not present in population databases (gnomAD no frequency). This variant has not been reported in the literature in individuals affected with SPG11-related conditions. Algorithms developed to predict the effect of sequence changes on RNA splicing suggest that this variant may disrupt the consensus splice site. For these reasons, this variant has been classified as Pathogenic.

Literature cited by the submitters: PubMed 19105190; PubMed 20110243; PubMed 22154821; PubMed 26556829.